The following is an entry in ClinVar:

NM_002230.4(JUP):c.2162A>G (p.Asp721Gly)

Gene: JUP (junction plakoglobin; minus strand). Cytogenetic location: 17q21.2.
Variant type: single nucleotide variant.
Coding change: c.2162A>G on transcript NM_002230.4 (MANE Select); coding-DNA position 2162, A replaced by G.
Protein change: p.Asp721Gly; replaces aspartic acid 721 with glycine.
Molecular consequence: missense variant.
Genome position (GRCh38, 1-based): chr17:41,755,820, T>C on the plus strand (A>G on the coding strand, the complement: JUP is on the minus strand). VCF-style: chr17-41755820-T-C. GRCh37 (hg19) VCF-style: chr17-39912072-T-C.
Other names: c.2162A>G, p.Asp721Gly (NM_001352773.2, NM_001352774.2, NM_001352775.2 and 3 more transcripts); short protein forms D721G.
Identifiers: ClinVar variation 2625424 (VCV002625424.5), dbSNP rs1225664898, ClinGen allele CA399490476.
Genomic context (GRCh38, chr17:41,755,820, plus strand): 5'-TCTGCAGTGGGGTACGGGGGCCTGAGGCCGTCGCTGTAGGTGTCGATGGGGTAGTCTCCA[T>C]CCATGTCCATGTGCATCTCCAGCGGGTCAAGGGGCACATCGCTGGAGTACATGGGGCGGT-3'
Protein context (NP_002221.1, residues 711-731): LDPLEMHMDM[Asp721Gly]GDYPIDTYSD

ClinVar aggregate classification (germline): Uncertain significance. Review status: criteria provided, multiple submitters, no conflicts (2 of 4 stars). 2 submissions from 2 submitters: Uncertain significance (2). Last evaluated 2023-08-29.

Conditions:
Cardiovascular phenotype. Identifiers: MedGen CN230736.
Naxos disease (NXD). Also called: WOOLLY HAIR, PALMOPLANTAR KERATODERMA, AND CARDIAC ABNORMALITIES; CARDIOMYOPATHY, ARRHYTHMOGENIC RIGHT VENTRICULAR, WITH SKIN, HAIR, AND NAIL ABNORMALITIES; KERATOSIS PALMOPLANTARIS WITH ARRHYTHMOGENIC CARDIOMYOPATHY; MAL DE NAXOS; PALMOPLANTAR KERATODERMA WITH ARRHYTHMOGENIC RIGHT VENTRICULAR CARDIOMYOPATHY AND WOOLLY HAIR. Identifiers: Orphanet 34217, MedGen C1832600, MONDO:0011017, OMIM 601214.
Arrhythmogenic right ventricular dysplasia 12. Also called: ARRHYTHMOGENIC RIGHT VENTRICULAR DYSPLASIA, FAMILIAL, 12. Identifiers: MedGen C1969081, MONDO:0012684, OMIM 611528.

Allele frequency attached by ClinVar (database versions not stated): TOPMed below 0.00001; gnomAD 0.00001.
gnomAD v4.1: 1 of 1,613,192 alleles (0.000062%); highest among the groups gnomAD compares: African/African-American, 0.0013%; no homozygotes.

Submissions (2):

Ambry Genetics
Classification: Uncertain significance for Cardiovascular phenotype. Last evaluated: 2023-08-29. Review status: criteria provided, single submitter. Criteria: Ambry Variant Classification Scheme 2023. Collection method: clinical testing. Allele origin: germline.
Comment: The p.D721G variant (also known as c.2162A>G), located in coding exon 13 of the JUP gene, results from an A to G substitution at nucleotide position 2162. The aspartic acid at codon 721 is replaced by glycine, an amino acid with similar properties. This amino acid position is conserved. In addition, this alteration is predicted to be tolerated by in silico analysis. Since supporting evidence is limited at this time, the clinical significance of this alteration remains unclear.

Labcorp Genetics (formerly Invitae), Labcorp
Classification: Uncertain significance for Arrhythmogenic right ventricular dysplasia 12; Naxos disease. Last evaluated: 2023-06-23. Review status: criteria provided, single submitter. Criteria: Invitae Variant Classification Sherloc (09022015). Collection method: clinical testing. Allele origin: germline.
Comment: In summary, the available evidence is currently insufficient to determine the role of this variant in disease. Therefore, it has been classified as a Variant of Uncertain Significance. An algorithm developed to predict the effect of missense changes on protein structure and function (PolyPhen-2) suggests that this variant is likely to be tolerated. This variant has not been reported in the literature in individuals affected with JUP-related conditions. This variant is not present in population databases (gnomAD no frequency). This sequence change replaces aspartic acid, which is acidic and polar, with glycine, which is neutral and non-polar, at codon 721 of the JUP protein (p.Asp721Gly).